The following is an entry in ClinVar:

NM_000038.6(APC):c.3115_3116delinsCT (p.Gly1039Leu)

Gene: APC (APC regulator of Wnt signaling pathway; plus strand). Cytogenetic location: 5q22.2.
Variant type: Indel.
Coding change: c.3115_3116delinsCT on transcript NM_000038.6 (MANE Select); coding-DNA positions 3115 to 3116, GG replaced by CT.
Protein change: p.Gly1039Leu; replaces glycine 1039 with leucine.
Molecular consequence: missense variant.
Genome position (GRCh38, 1-based): chr5:112,838,709-112,838,710, GG replaced by CT. VCF-style: chr5-112838709-GG-CT. GRCh37 (hg19) VCF-style: chr5-112174406-GG-CT.
Other names: c.3115_3116delinsCT, p.Gly1039Leu (NM_001127510.3, NM_001354895.2); c.3061_3062delinsCT, p.Gly1021Leu (NM_001127511.3); c.3169_3170delinsCT, p.Gly1057Leu (NM_001354896.2); c.3145_3146delinsCT, p.Gly1049Leu (NM_001354897.2); c.3040_3041delinsCT, p.Gly1014Leu (NM_001354898.2); c.3031_3032delinsCT, p.Gly1011Leu (NM_001354899.2); c.2992_2993delinsCT, p.Gly998Leu (NM_001354900.2); c.2938_2939delinsCT, p.Gly980Leu (NM_001354901.2); and 5 more; short protein forms G998L, G1011L, G1057L, G756L, G879L, G913L, G938L, G948L.
Identifiers: ClinVar variation 537413 (VCV000537413.8), dbSNP rs1554084704, ClinGen allele CA658796577.

ClinVar aggregate classification (germline): Uncertain significance (1 of 4 stars; one submission).

Conditions:
Familial adenomatous polyposis 1 (FAP1). Also called: FAMILIAL ADENOMATOUS POLYPOSIS 1, ATTENUATED; POLYPOSIS, ADENOMATOUS INTESTINAL. Identifiers: MedGen C2713442, MONDO:0021056, OMIM 175100. Disease mechanism: loss of function.

Submission:

Labcorp Genetics (formerly Invitae), Labcorp
Classification: Uncertain significance for Familial adenomatous polyposis 1. Last evaluated: 2017-09-10. Review status: criteria provided, single submitter. Criteria: Invitae Variant Classification Sherloc (09022015). Collection method: clinical testing. Allele origin: germline.
Comment: In summary, the available evidence is currently insufficient to determine the role of this variant in disease. Therefore, it has been classified as a Variant of Uncertain Significance. This sequence change replaces glycine with leucine at codon 1039 of the APC protein (p.Gly1039Leu). There is a moderate physicochemical difference between glycine and leucine. This variant is not present in population databases (ExAC no frequency). This variant has not been reported in the literature in individuals with APC-related disease. Algorithms developed to predict the effect of missense changes on protein structure and function (SIFT, PolyPhen-2, Align-GVGD) all suggest that this variant is likely to be disruptive, but these predictions have not been confirmed by published functional studies and their clinical significance is uncertain.